The following is an entry in ClinVar:

NM_020778.5(ALPK3):c.3007G>A (p.Val1003Met)

Gene: ALPK3 (alpha kinase 3; plus strand). Cytogenetic location: 15q25.3.
Variant type: single nucleotide variant.
Coding change: c.3007G>A on transcript NM_020778.5 (MANE Select); coding-DNA position 3007, G replaced by A.
Protein change: p.Val1003Met; replaces valine 1003 with methionine.
Molecular consequence: missense variant.
Genome position (GRCh38, 1-based): chr15:84,857,745, G>A. VCF-style: chr15-84857745-G-A. GRCh37 (hg19) VCF-style: chr15-85400976-G-A.
Other names: short protein forms V1003M.
Identifiers: ClinVar variation 2625916 (VCV002625916.2), dbSNP rs1318097962, ClinGen allele CA393359413.

ClinVar aggregate classification (germline): Uncertain significance (1 of 4 stars; one submission).

Conditions:
Cardiovascular phenotype. Identifiers: MedGen CN230736.

Submission:

Ambry Genetics
Classification: Uncertain significance for Cardiovascular phenotype. Last evaluated: 2023-07-05. Review status: criteria provided, single submitter. Criteria: Ambry Variant Classification Scheme 2023. Collection method: clinical testing. Allele origin: germline.
Comment: The p.V1205M variant (also known as c.3613G>A), located in coding exon 6 of the ALPK3 gene, results from a G to A substitution at nucleotide position 3613. The valine at codon 1205 is replaced by methionine, an amino acid with highly similar properties. This amino acid position is conserved. In addition, this alteration is predicted to be tolerated by in silico analysis. Since supporting evidence is limited at this time, the clinical significance of this alteration remains unclear.